The following is an entry in ClinVar:

NM_001854.4(COL11A1):c.3677C>G (p.Pro1226Arg)

Gene: COL11A1 (collagen type XI alpha 1 chain; minus strand). Cytogenetic location: 1p21.1.
Variant type: single nucleotide variant.
Coding change: c.3677C>G on transcript NM_001854.4 (MANE Select); coding-DNA position 3677, C replaced by G.
Protein change: p.Pro1226Arg; replaces proline 1226 with arginine.
Molecular consequence: missense variant. On other transcripts: non-coding transcript variant (1).
Genome position (GRCh38, 1-based): chr1:102,921,549, G>C on the plus strand (C>G on the coding strand, the complement: COL11A1 is on the minus strand). VCF-style: chr1-102921549-G-C. GRCh37 (hg19) VCF-style: chr1-103387105-G-C.
Other names: c.3560C>G, p.Pro1187Arg (NM_001190709.2); c.3713C>G, p.Pro1238Arg (NM_080629.3); c.3329C>G, p.Pro1110Arg (NM_080630.4); c.3677C>G (NM_001854.3); short protein forms P1187R, P1110R, P1226R, P1238R.
Identifiers: ClinVar variation 3688841 (VCV003688841.3).

ClinVar aggregate classification (germline): Conflicting classifications of pathogenicity. Review status: criteria provided, conflicting classifications (1 of 4 stars). 2 submissions from 2 submitters: Uncertain significance (1); Likely benign (1). Last evaluated 2025-01-06.

gnomAD v4.1: 5 of 1,612,980 alleles (0.00031%); highest among the groups gnomAD compares: East Asian, 0.0045%; no homozygotes.

Submissions (2):

Labcorp Genetics (formerly Invitae), Labcorp
Classification: Likely benign. Last evaluated: 2025-01-06. Review status: criteria provided, single submitter. Criteria: Invitae Variant Classification Sherloc (09022015). Collection method: clinical testing. Allele origin: germline.

GeneDx
Classification: Uncertain significance. Last evaluated: 2024-12-12. Review status: criteria provided, single submitter. Criteria: GeneDx Variant Classification Process June 2021. Collection method: clinical testing. Allele origin: germline. Affected: yes.
Comment: Not observed at significant frequency in large population cohorts (gnomAD); In silico analysis supports that this missense variant has a deleterious effect on protein structure/function; Has not been previously published as pathogenic or benign to our knowledge